The following is an entry in ClinVar:

NM_000489.6(ATRX):c.6253C>T (p.Arg2085Cys)

Gene: ATRX (ATRX chromatin remodeler; minus strand). Cytogenetic location: Xq21.1.
Variant type: single nucleotide variant.
Coding change: c.6253C>T on transcript NM_000489.6 (MANE Select); coding-DNA position 6253, C replaced by T.
Protein change: p.Arg2085Cys; replaces arginine 2085 with cysteine.
Molecular consequence: missense variant.
Genome position (GRCh38, 1-based): chrX:77,574,323, G>A on the plus strand (C>T on the coding strand, the complement: ATRX is on the minus strand). VCF-style: chrX-77574323-G-A. GRCh37 (hg19) VCF-style: chrX-76829788-G-A.
Other names: c.6139C>T, p.Arg2047Cys (NM_138270.5); short protein forms R2047C, R2085C.
Identifiers: ClinVar variation 1180765 (VCV001180765.24), dbSNP rs2148019913, ClinGen allele CA413701171.

ClinVar aggregate classification (germline): Pathogenic/Likely pathogenic. Review status: criteria provided, multiple submitters, no conflicts (2 of 4 stars). 2 submissions from 2 submitters: Pathogenic (1); Likely pathogenic (1). Last evaluated 2023-05-11.

Conditions:
Alpha thalassemia-X-linked intellectual disability syndrome (ATRX). Also called: X-linked alpha-thalassemia-mental retardation syndrome; ALPHA-THALASSEMIA/IMPAIRED INTELLECTUAL DEVELOPMENT SYNDROME, X-LINKED; ALPHA-THALASSEMIA/MENTAL RETARDATION SYNDROME, X-LINKED; ATR, NONDELETION TYPE; ATR-X syndrome; Alpha thalassemia mental retardation syndrome, nondeletion type, X-linked. Identifiers: Orphanet 847, MedGen C1845055, MONDO:0010519, OMIM 301040.
Abnormality of the nervous system. Also called: Congenital nervous system disorder. Identifiers: MedGen C0497552, MONDO:0002320, HP:0000707.

Submissions (2):

GeneDx
Classification: Pathogenic. Last evaluated: 2023-05-11. Review status: criteria provided, single submitter. Criteria: GeneDx Variant Classification Process June 2021. Collection method: clinical testing. Allele origin: germline. Affected: yes.
Comment: In silico analysis supports that this missense variant has a deleterious effect on protein structure/function; Not observed at significant frequency in large population cohorts (gnomAD); This variant is associated with the following publications: (PMID: 25533962, 12673795, 16763962, 28027854, 24289169, 36292677, Wang2022[Preprint])

Kariminejad - Najmabadi Pathology & Genetics Center
Classification: Likely pathogenic for Abnormality of the nervous system. Last evaluated: 2021-07-10. Review status: criteria provided, single submitter. Criteria: ACMG Guidelines, 2015. Collection method: clinical testing. Allele origin: germline. Affected: yes.